The following is an entry in ClinVar:

ClinVar aggregate classification (germline): Uncertain significance (1 of 4 stars; one submission).

gnomAD v4.1: 1 of 1,614,152 alleles (0.000062%); highest among the groups gnomAD compares: Non-Finnish European, 0.000085%; no homozygotes.

Submission:

Labcorp Genetics (formerly Invitae), Labcorp
Classification: Uncertain significance. Last evaluated: 2021-12-09. Review status: criteria provided, single submitter. Criteria: Invitae Variant Classification Sherloc (09022015). Collection method: clinical testing. Allele origin: germline.
Comment: This variant has not been reported in the literature in individuals affected with VPS13D-related conditions. Algorithms developed to predict the effect of missense changes on protein structure and function output the following: SIFT: "Not Available"; PolyPhen-2: "Probably Damaging"; Align-GVGD: "Not Available". The cysteine amino acid residue is found in multiple mammalian species, which suggests that this missense change does not adversely affect protein function. In summary, the available evidence is currently insufficient to determine the role of this variant in disease. Therefore, it has been classified as a Variant of Uncertain Significance. This sequence change replaces serine, which is neutral and polar, with cysteine, which is neutral and slightly polar, at codon 1597 of the VPS13D protein (p.Ser1597Cys). This variant is present in population databases (no rsID available, gnomAD 0.0009%).

NM_015378.4(VPS13D):c.4790C>G (p.Ser1597Cys)

Gene: VPS13D (vacuolar protein sorting 13 homolog D; plus strand). Cytogenetic location: 1p36.22.
Variant type: single nucleotide variant.
Coding change: c.4790C>G on transcript NM_015378.4 (MANE Select); coding-DNA position 4790, C replaced by G.
Protein change: p.Ser1597Cys; replaces serine 1597 with cysteine.
Molecular consequence: missense variant.
Genome position (GRCh38, 1-based): chr1:12,282,892, C>G. VCF-style: chr1-12282892-C-G. GRCh37 (hg19) VCF-style: chr1-12342949-C-G.
Other names: c.4790C>G, p.Ser1597Cys (NM_018156.4); short protein forms S1597C.
Identifiers: ClinVar variation 2038891 (VCV002038891.4), dbSNP rs1382979745, ClinGen allele CA338481523.
Genomic context (GRCh38, chr1:12,282,892, plus strand): 5'-CCCTCAGTACCTGTGGAGAATCTTCTGTTGAAAGGAAGGAGAATGGATTGTTCAGCCACT[C>G]CAGCCTTTCTAACACCTCTCAGAAGTCATTGTCAGTGAAGGAAGTCAAATCCTTTACTCA-3'
Protein context (NP_056193.2, residues 1587-1607): ERKENGLFSH[Ser1597Cys]SLSNTSQKSL